The following is an entry in ClinVar:

NM_014850.4(SRGAP3):c.3238G>T (p.Ala1080Ser)

Gene: SRGAP3 (SLIT-ROBO Rho GTPase activating protein 3; minus strand). Cytogenetic location: 3p25.3.
Variant type: single nucleotide variant.
Coding change: c.3238G>T on transcript NM_014850.4 (MANE Select); coding-DNA position 3238, G replaced by T.
Protein change: p.Ala1080Ser; replaces alanine 1080 with serine.
Molecular consequence: missense variant.
Genome position (GRCh38, 1-based): chr3:8,985,581, C>A on the plus strand (G>T on the coding strand, the complement: SRGAP3 is on the minus strand). VCF-style: chr3-8985581-C-A. GRCh37 (hg19) VCF-style: chr3-9027265-C-A.
Other names: c.3166G>T, p.Ala1056Ser (NM_001033117.3); short protein forms A1056S, A1080S.
Identifiers: ClinVar variation 3344798 (VCV003344798.1).

ClinVar aggregate classification (germline): Uncertain significance (0 of 4 stars; one submission).

Conditions:
SRGAP3-related disorder. Also called: SRGAP3-related condition.

Submission:

PreventionGenetics, part of Exact Sciences
Classification: Uncertain significance for SRGAP3-related condition. Last evaluated: 2024-07-22. Review status: no assertion criteria provided. Collection method: clinical testing. Allele origin: germline.
Comment: The SRGAP3 c.3238G>T variant is predicted to result in the amino acid substitution p.Ala1080Ser. To our knowledge, this variant has not been reported in the literature. This variant is reported in 0.00097% of alleles in individuals of European (Non-Finnish) descent in gnomAD. At this time, the clinical significance of this variant is uncertain due to the absence of conclusive functional and genetic evidence.